The following is an entry in ClinVar:

ClinVar aggregate classification (germline): Likely pathogenic (1 of 4 stars; one submission).

Conditions:
MECOM-associated syndrome. Identifiers: MedGen CN305607, MONDO:0100458.

Submission:

Wendy Chung Laboratory, Boston Children's Hospital
Classification: Likely pathogenic for MECOM-associated syndrome. Last evaluated: 2025-04-30. Review status: criteria provided, single submitter. Criteria: ACMG Guidelines, 2015. Collection method: research. Allele origin: de novo. Affected: yes. Observed: 1 variant allele.
Comment: NM_0004991.4:c.1178G>A; p.(Arg393His) is a DNA single guanine to alanine base substitution missense variant. The variant is absent from gnomAD v.4.1 (PM2_supporting). The variant occurred de novo (PS2) and is located in a conserved zinc finger domain (PMID: 19767769) (PM1). MECOM has a low rate of benign missense variation and missense variants are a common mechanism of MECOM-associated syndrome (PP2). Multiple lines of compuational evidence supprt a deleterious effect (AlphaMissense = 0.999, CADD = 34) (PP3).

Literature cited by the submitters: PubMed 19767769.

NM_004991.4(MECOM):c.1178G>A (p.Arg393His)

Gene: MECOM (MDS1 and EVI1 complex locus; minus strand). Cytogenetic location: 3q26.2.
Variant type: single nucleotide variant.
Coding change: c.1178G>A on transcript NM_004991.4 (MANE Select); coding-DNA position 1178, G replaced by A.
Protein change: p.Arg393His; replaces arginine 393 with histidine.
Molecular consequence: missense variant. On other transcripts: intron variant (2).
Genome position (GRCh38, 1-based): chr3:169,116,694, C>T on the plus strand (G>A on the coding strand, the complement: MECOM is on the minus strand). VCF-style: chr3-169116694-C-T. GRCh37 (hg19) VCF-style: chr3-168834482-C-T.
Other names: c.809G>A, p.Arg270His (NM_001105077.4); c.614G>A, p.Arg205His (NM_001105078.4, NM_001164000.2, NM_001205194.2 and 4 more transcripts); c.617G>A, p.Arg206His (NM_001163999.2, NM_001366467.2, NM_001366468.2 and 1 more transcripts); c.1178G>A, p.Arg393His (NM_001366466.2); c.1133-927G>A (NM_001366473.2); c.569-927G>A (NM_001366474.2); short protein forms R205H, R206H, R270H, R393H.
Identifiers: ClinVar variation 3900739 (VCV003900739.1).
Genomic context (GRCh38, chr3:169,116,694, plus strand): 5'-ATTTGTCCACAGTCTTTGCACTTGATTTGGGTTCTGCAATCAGCATGCATGCGCTTATGA[C>T]GGCAAAGGTTTGAAAACTGAGTATAGGATTTATGGCAGACCTCACCTGTGTGCAAACAAC-3'
Protein context (NP_004982.2, residues 383-403): KSYTQFSNLC[Arg393His]HKRMHADCRT